The following is an entry in ClinVar:

NM_000110.4(DPYD):c.2528T>C (p.Ile843Thr)

Genes: DPYD (dihydropyrimidine dehydrogenase; minus strand), DPYD-AS1 (DPYD antisense RNA 1; plus strand). Cytogenetic location: 1p21.3.
Variant type: single nucleotide variant.
Coding change: c.2528T>C on transcript NM_000110.4 (MANE Select); coding-DNA position 2528, T replaced by C.
Protein change: p.Ile843Thr; replaces isoleucine 843 with threonine.
Molecular consequence: missense variant.
Genome position (GRCh38, 1-based): chr1:97,193,163, A>G on the plus strand (T>C on the coding strand, the complement: DPYD is on the minus strand). VCF-style: chr1-97193163-A-G. GRCh37 (hg19) VCF-style: chr1-97658719-A-G.
Other names: short protein forms I843T.
Identifiers: ClinVar variation 451401 (VCV000451401.4), dbSNP rs571114616, ClinGen allele CA963012.
Genomic context (GRCh38, chr1:97,193,163, plus strand): 5'-TTCCCTTTCTGGTGACTCACAGTAGCTGGACTCTGTCCATCCCAGTCTTGTAGTTCTTCA[A>G]TGCTTTTCAGATAAAGCAGGGCTTTGAGGCCAGTGCAGTAGTCTTCGATCACAGTGAAAT-3'
Protein context (NP_000101.2, residues 833-853): GLKALLYLKS[Ile843Thr]EELQDWDGQS

ClinVar aggregate classification (germline): Uncertain significance. Review status: criteria provided, multiple submitters, no conflicts (2 of 4 stars). 3 submissions from 3 submitters: Uncertain significance (3). Last evaluated 2023-04-11.

Conditions:
Dihydropyrimidine dehydrogenase deficiency (DPYDD). Also called: DPD DEFICIENCY; DPYD DEFICIENCY; Hereditary Thymine-Uraciluria. Identifiers: Orphanet 1675, MedGen C1959620, MONDO:0010130, OMIM 274270.

Allele frequency attached by ClinVar (database versions not stated): gnomAD 0.00001; gnomAD exomes 0.00004; TOPMed 0.00004; ExAC 0.00007.
gnomAD v4.1: 68 of 1,613,896 alleles (0.0042%); highest among the groups gnomAD compares: East Asian, 0.016%; no homozygotes.

Submissions (3):

Genome-Nilou Lab
Classification: Uncertain significance for Dihydropyrimidine dehydrogenase deficiency. Last evaluated: 2023-04-11. Review status: criteria provided, single submitter. Criteria: ACMG Guidelines, 2015. Collection method: clinical testing. Allele origin: germline. Affected: no.

Fulgent Genetics
Classification: Uncertain significance for Dihydropyrimidine dehydrogenase deficiency. Last evaluated: 2021-12-15. Review status: criteria provided, single submitter. Criteria: ACMG Guidelines, 2015. Collection method: clinical testing. Allele origin: unknown.

GeneDx
Classification: Uncertain significance. Last evaluated: 2017-08-17. Review status: criteria provided, single submitter. Criteria: GeneDx Variant Classification (06012015). Collection method: clinical testing. Allele origin: germline. Affected: yes.
Comment: The I843T variant in the DPYD gene has not been reported previously as a pathogenic variant, nor as a benign variant, to our knowledge. The I843T variant is not observed at a significant frequency in large population cohorts (Lek et al., 2016; 1000 Genomes Consortium et al., 2015; Exome Variant Server). The I843T variant is a non-conservative amino acid substitution, which is likely to impact secondary protein structure as these residues differ in polarity, charge, size and/or other properties. This substitution occurs at a position where amino acids with similar properties to Isoleucine are tolerated across species. In silico analysis is inconsistent in its predictions as to whether or not the variant is damaging to the protein structure/function. We interpret I843T as a variant of uncertain significance.